The following is an entry in ClinVar:

NM_006734.4(HIVEP2):c.4019C>A (p.Thr1340Lys)

Gene: HIVEP2 (HIVEP zinc finger 2; minus strand). Cytogenetic location: 6q24.2.
Variant type: single nucleotide variant.
Coding change: c.4019C>A on transcript NM_006734.4 (MANE Select); coding-DNA position 4019, C replaced by A.
Protein change: p.Thr1340Lys; replaces threonine 1340 with lysine.
Molecular consequence: missense variant.
Genome position (GRCh38, 1-based): chr6:142,770,720, G>T on the plus strand (C>A on the coding strand, the complement: HIVEP2 is on the minus strand). VCF-style: chr6-142770720-G-T. GRCh37 (hg19) VCF-style: chr6-143091857-G-T.
Other names: short protein forms T1340K.
Identifiers: ClinVar variation 2637199 (VCV002637199.1), dbSNP rs767865747, ClinGen allele CA365901580.

ClinVar aggregate classification (germline): Uncertain significance (1 of 4 stars; one submission).

Conditions:
HIVEP2-related disorder. Also called: HIVEP2-related condition.

gnomAD v4.1: 2 of 1,614,154 alleles (0.00012%); highest among the groups gnomAD compares: Non-Finnish European, 0.00017%; no homozygotes.

Submission:

PreventionGenetics, part of Exact Sciences
Classification: Uncertain significance for HIVEP2-related condition. Last evaluated: 2022-09-25. Review status: criteria provided, single submitter. Criteria: ACMG Guidelines, 2015. Collection method: clinical testing. Allele origin: germline.
Comment: The HIVEP2 c.4019C>A variant is predicted to result in the amino acid substitution p.Thr1340Lys. To our knowledge, this variant has not been reported in the literature or in a large population database, indicating this variant is rare. At this time, the clinical significance of this variant is uncertain due to the absence of conclusive functional and genetic evidence.